The following is an entry in ClinVar:

NM_006206.6(PDGFRA):c.1031C>A (p.Pro344His)

Gene: PDGFRA (platelet derived growth factor receptor alpha; plus strand). Cytogenetic location: 4q12.
Variant type: single nucleotide variant.
Coding change: c.1031C>A on transcript NM_006206.6 (MANE Select); coding-DNA position 1031, C replaced by A.
Protein change: p.Pro344His; replaces proline 344 with histidine.
Molecular consequence: missense variant.
Genome position (GRCh38, 1-based): chr4:54,267,651, C>A. VCF-style: chr4-54267651-C-A. GRCh37 (hg19) VCF-style: chr4-55133818-C-A.
Other names: c.1031C>A, p.Pro344His (NM_001347827.2, NM_001347829.2); c.1106C>A, p.Pro369His (NM_001347828.2); c.1070C>A, p.Pro357His (NM_001347830.2); short protein forms P369H, P344H, P357H.
Identifiers: ClinVar variation 2064374 (VCV002064374.4), dbSNP rs2475456006, ClinGen allele CA356891646.
Genomic context (GRCh38, chr4:54,267,651, plus strand): 5'-TGGAAGCTGTCAACCTGCATGAAGTCAAACATTTTGTTGTAGAGGTGCGGGCCTACCCAC[C>A]TCCCAGGATATCCTGGCTGAAAAACAATCTGACTCTGATTGAAAATCTCACTGAGATCAC-3'
Protein context (NP_006197.1, residues 334-354): HFVVEVRAYP[Pro344His]PRISWLKNNL

ClinVar aggregate classification (germline): Uncertain significance (1 of 4 stars; one submission).

Conditions:
Gastrointestinal stromal tumor. Also called: Gastrointestinal stroma tumor; Gastrointestinal stromal tumor, somatic. Identifiers: Orphanet 44890, MedGen C0238198, MeSH D046152, MONDO:0011719, OMIM 606764, HP:0100723.

Submission:

Labcorp Genetics (formerly Invitae), Labcorp
Classification: Uncertain significance for Gastrointestinal stromal tumor. Last evaluated: 2022-09-30. Review status: criteria provided, single submitter. Criteria: Invitae Variant Classification Sherloc (09022015). Collection method: clinical testing. Allele origin: germline.
Comment: In summary, the available evidence is currently insufficient to determine the role of this variant in disease. Therefore, it has been classified as a Variant of Uncertain Significance. Advanced modeling of protein sequence and biophysical properties (such as structural, functional, and spatial information, amino acid conservation, physicochemical variation, residue mobility, and thermodynamic stability) performed at Invitae indicates that this missense variant is not expected to disrupt PDGFRA protein function. This variant has not been reported in the literature in individuals affected with PDGFRA-related conditions. This variant is not present in population databases (gnomAD no frequency). This sequence change replaces proline, which is neutral and non-polar, with histidine, which is basic and polar, at codon 344 of the PDGFRA protein (p.Pro344His).